The following is an entry in ClinVar:

ClinVar aggregate classification (germline): Conflicting classifications of pathogenicity. Review status: criteria provided, conflicting classifications (1 of 4 stars). 4 submissions from 4 submitters: Uncertain significance (3); Likely benign (1). Last evaluated 2026-05-18.

Conditions:
Inborn genetic diseases. Identifiers: MedGen C0950123, MeSH D030342.
TRPM1-related disorder. Also called: TRPM1-related condition.

Allele frequency attached by ClinVar (database versions not stated): ESP Exome Variant Server 0.00008; 1000 Genomes Project 0.00020; gnomAD 0.00022 and 0.00023; TOPMed 0.00027; 1000 Genomes Project 30x 0.00062.
gnomAD v4.1: 195 of 1,612,576 alleles (0.012%); highest among the groups gnomAD compares: Admixed American, 0.09%; no homozygotes.

Submissions (4):

PreventionGenetics, part of Exact Sciences
Classification: Uncertain significance for TRPM1-related condition. Last evaluated: 2026-05-18. Review status: criteria provided, single submitter. Criteria: ACMG Guidelines, 2015. Collection method: clinical testing. Allele origin: germline.
Comment: The TRPM1 c.3618C>G variant is predicted to result in the amino acid substitution p.Phe1206Leu. This variant has been reported in the heterozygous state in an individual with early-onset high myopia and retinal dystrophy, who also has a variant in the COL2A1 gene (González-Iglesias et al. 2022. PubMed ID: 35457050). This variant is reported in 0.079% of alleles in individuals of Latino descent in gnomAD. At this time, the clinical significance of this variant is uncertain due to the absence of conclusive functional and genetic evidence.

Labcorp Genetics (formerly Invitae), Labcorp
Classification: Likely benign. Last evaluated: 2026-01-04. Review status: criteria provided, single submitter. Criteria: Invitae Variant Classification Sherloc (09022015). Collection method: clinical testing. Allele origin: germline.

Blueprint Genetics
Classification: Uncertain significance. Last evaluated: 2024-06-05. Review status: criteria provided, single submitter. Criteria: ACMG Guidelines, 2015. Collection method: clinical testing. Allele origin: germline.

Ambry Genetics
Classification: Uncertain significance for Inborn genetic diseases. Last evaluated: 2021-08-12. Review status: criteria provided, single submitter. Criteria: Ambry Variant Classification Scheme 2023. Collection method: clinical testing. Allele origin: germline.

NM_001252024.2(TRPM1):c.3567C>G (p.Phe1189Leu)

Genes: TRPM1 (transient receptor potential cation channel subfamily M member 1; minus strand), TRPM1-AS1 (TRPM1 antisense RNA 1; plus strand), LOC126862088 (BRD4-independent group 4 enhancer GRCh37_chr15:31318084-31319283; plus strand). Cytogenetic location: 15q13.3.
Variant type: single nucleotide variant.
Coding change: c.3567C>G on transcript NM_001252024.2 (MANE Select); coding-DNA position 3567, C replaced by G.
Protein change: p.Phe1189Leu; replaces phenylalanine 1189 with leucine.
Molecular consequence: missense variant.
Genome position (GRCh38, 1-based): chr15:31,026,201, G>C on the plus strand (C>G on the coding strand, the complement: TRPM1 is on the minus strand). VCF-style: chr15-31026201-G-C. GRCh37 (hg19) VCF-style: chr15-31318404-G-C.
Other names: c.3618C>G, p.Phe1206Leu (NM_001252020.2); c.3501C>G, p.Phe1167Leu (NM_002420.6); c.3501C>G (NM_002420.4); c.3618C>G (NM_001252020.1); short protein forms F1167L, F1189L, F1206L.
Identifiers: ClinVar variation 998531 (VCV000998531.10), dbSNP rs201890748, ClinGen allele CA7451841.